The following is an entry in ClinVar:

NM_001375808.2(LPIN2):c.2546+145T>C

Gene: LPIN2 (lipin 2; minus strand). Cytogenetic location: 18p11.31.
Variant type: single nucleotide variant.
Coding change: c.2546+145T>C on transcript NM_001375808.2 (MANE Select); 145 bases into the intron after coding-DNA position 2546, T replaced by C.
Molecular consequence: intron variant.
Genome position (GRCh38, 1-based): chr18:2,920,633, A>G on the plus strand (T>C on the coding strand, the complement: LPIN2 is on the minus strand). VCF-style: chr18-2920633-A-G. GRCh37 (hg19) VCF-style: chr18-2920631-A-G.
Other names: c.2546+145T>C (NM_014646.2, NM_001375809.1).
Identifiers: ClinVar variation 678161 (VCV000678161.2), dbSNP rs182217640, ClinGen allele CA295493914.

ClinVar aggregate classification (germline): Likely benign. Review status: criteria provided, multiple submitters, no conflicts (2 of 4 stars). 2 submissions from 2 submitters: Likely benign (2). Last evaluated 2018-06-14.

Allele frequency attached by ClinVar (database versions not stated): TOPMed 0.00354; gnomAD 0.00576 and 0.00669; 1000 Genomes Project 0.00759; 1000 Genomes Project 30x 0.00765.
gnomAD v4.1: 7,476 of 803,564 alleles (0.93%); highest among the groups gnomAD compares: South Asian, 3.7%; 105 homozygotes.

Submissions (2):

GeneDx
Classification: Likely benign. Last evaluated: 2018-06-14. Review status: criteria provided, single submitter. Criteria: GeneDx Variant Classification (06012015). Collection method: clinical testing. Allele origin: germline. Affected: yes.
Comment: This variant is considered likely benign or benign based on one or more of the following criteria: it is a conservative change, it occurs at a poorly conserved position in the protein, it is predicted to be benign by multiple in silico algorithms, and/or has population frequency not consistent with disease.

Breakthrough Genomics
Classification: Likely benign. Review status: criteria provided, single submitter. Criteria: ACMG Guidelines, 2015. Collection method: not provided. Allele origin: germline. Inheritance: Unknown mechanism. Affected: yes.